The following is an entry in ClinVar:

ClinVar aggregate classification (germline): Uncertain significance (1 of 4 stars; one submission).

Conditions:
5-Oxoprolinase deficiency (OPLAHD). Also called: 5-OXOPROLINURIA DUE TO 5-OXOPROLINASE DEFICIENCY. Identifiers: Orphanet 33572, MedGen C0268525, MONDO:0009825, OMIM 260005, HP:0040142.

Submission:

Labcorp Genetics (formerly Invitae), Labcorp
Classification: Uncertain significance for 5-Oxoprolinase deficiency. Last evaluated: 2022-09-07. Review status: criteria provided, single submitter. Criteria: Invitae Variant Classification Sherloc (09022015). Collection method: clinical testing. Allele origin: germline.
Comment: In summary, the available evidence is currently insufficient to determine the role of this variant in disease. Therefore, it has been classified as a Variant of Uncertain Significance. Experimental studies and prediction algorithms are not available or were not evaluated, and the functional significance of this variant is currently unknown. This variant has not been reported in the literature in individuals affected with OPLAH-related conditions. This variant is not present in population databases (gnomAD no frequency). This sequence change replaces leucine, which is neutral and non-polar, with arginine, which is basic and polar, at codon 35 of the OPLAH protein (p.Leu35Arg).

NM_017570.5(OPLAH):c.104T>G (p.Leu35Arg)

Gene: OPLAH (5-oxoprolinase, ATP-hydrolysing; minus strand). Cytogenetic location: 8q24.3.
Variant type: single nucleotide variant.
Coding change: c.104T>G on transcript NM_017570.5 (MANE Select); coding-DNA position 104, T replaced by G.
Protein change: p.Leu35Arg; replaces leucine 35 with arginine.
Molecular consequence: missense variant.
Genome position (GRCh38, 1-based): chr8:144,059,929, A>C on the plus strand (T>G on the coding strand, the complement: OPLAH is on the minus strand). VCF-style: chr8-144059929-A-C. GRCh37 (hg19) VCF-style: chr8-145114832-A-C.
Other names: short protein forms L35R.
Identifiers: ClinVar variation 2121610 (VCV002121610.4), dbSNP rs2540284008, ClinGen allele CA372577793.
Genomic context (GRCh38, chr8:144,059,929, plus strand): 5'-AGGATGCGGCGGATGCCTTCGGTTGGCGCGTCCGCATAGTTGGCAGGGTCCTCTGAGAGC[A>C]GTTTTAAGACCCGCACGTGCCCCCCTGGGCACTGGGCAAAGACGTCTGTGAAGGTACCCC-3'
Protein context (NP_060040.1, residues 25-45): CPGGHVRVLK[Leu35Arg]LSEDPANYAD